The following is an entry in ClinVar:

NM_025137.4(SPG11):c.1825C>T (p.Gln609Ter)

Gene: SPG11 (SPG11 vesicle trafficking associated, spatacsin; minus strand). Cytogenetic location: 15q21.1.
Variant type: single nucleotide variant.
Coding change: c.1825C>T on transcript NM_025137.4 (MANE Select); coding-DNA position 1825, C replaced by T.
Protein change: p.Gln609Ter; replaces glutamine 609 with a stop codon.
Molecular consequence: nonsense.
Genome position (GRCh38, 1-based): chr15:44,629,299, G>A on the plus strand (C>T on the coding strand, the complement: SPG11 is on the minus strand). VCF-style: chr15-44629299-G-A. GRCh37 (hg19) VCF-style: chr15-44921497-G-A.
Other names: c.1825C>T, p.Gln609Ter (NM_001160227.2, NM_001411132.1); short protein forms Q609*.
Identifiers: ClinVar variation 1878227 (VCV001878227.4), dbSNP rs2505601687, ClinGen allele CA392234603.
Genomic context (GRCh38, chr15:44,629,299, plus strand): 5'-TGTGAATGAAAAGCTCCTTTATTTGGTTGTTAAGGAAAGACAGTGTAAGATTAAGCAATT[G>A]TTCTGAAAAGTGTTTGCTTTGGGGTTCAGAATAACTTTCTCTAATTGCCGAGCAAAGTAA-3'

ClinVar aggregate classification (germline): Pathogenic/Likely pathogenic. Review status: criteria provided, multiple submitters, no conflicts (2 of 4 stars). 2 submissions from 2 submitters: Pathogenic (1); Likely pathogenic (1). Last evaluated 2023-11-05.

Conditions:
Hereditary spastic paraplegia. Also called: Familial spastic paraparesis. Identifiers: Orphanet 685, MedGen C0037773, MONDO:0019064. Disease mechanism: loss of function.
Hereditary spastic paraplegia 11. Also called: SPASTIC PARAPLEGIA, AUTOSOMAL RECESSIVE, COMPLICATED, WITH THIN CORPUS CALLOSUM; SPASTIC PARAPLEGIA, AUTOSOMAL RECESSIVE, WITH MENTAL IMPAIRMENT AND THIN CORPUS CALLOSUM; Spastic paraplegia, mental retardation and thin corpus callosum; Spastic Paraplegia 11; Nakamura Osame syndrome; Autosomal recessive hereditary spastic paraplegia, mental impairment, and thin corpus callosum. Identifiers: Orphanet 2822, MedGen C1858479, MONDO:0011445, OMIM 604360.

gnomAD v4.1: 2 of 1,613,984 alleles (0.00012%); highest among the groups gnomAD compares: Non-Finnish European, 0.00017%; no homozygotes.

Submissions (2):

Labcorp Genetics (formerly Invitae), Labcorp
Classification: Pathogenic for Hereditary spastic paraplegia 11. Last evaluated: 2023-11-05. Review status: criteria provided, single submitter. Criteria: Invitae Variant Classification Sherloc (09022015). Collection method: clinical testing. Allele origin: germline.
Comment: This sequence change creates a premature translational stop signal (p.Gln609*) in the SPG11 gene. It is expected to result in an absent or disrupted protein product. Loss-of-function variants in SPG11 are known to be pathogenic (PMID: 19105190, 20110243, 22154821, 26556829). This variant is not present in population databases (gnomAD no frequency). This premature translational stop signal has been observed in individual(s) with hereditary spastic paraplegia (PMID: 35464835). ClinVar contains an entry for this variant (Variation ID: 1878227). For these reasons, this variant has been classified as Pathogenic.

Women's Health and Genetics/Laboratory Corporation of America, LabCorp
Classification: Likely pathogenic for Hereditary spastic paraplegia. Last evaluated: 2022-12-06. Review status: criteria provided, single submitter. Criteria: LabCorp Variant Classification Summary - May 2015. Collection method: clinical testing. Allele origin: germline.
Comment: Variant summary: SPG11 c.1825C>T (p.Gln609X) results in a premature termination codon, predicted to cause a truncation of the encoded protein or absence of the protein due to nonsense mediated decay, which are commonly known mechanisms for disease. At least one truncation downstream of this position has been classified as pathogenic by our laboratory. The variant was absent in 251430 control chromosomes (gnomAD). c.1825C>T has been reported in the literature as a compound heterozygous genotype in an individual affected with Hereditary Spastic Paraplegia (e.g. Fu_2022). To our knowledge, no experimental evidence demonstrating an impact on protein function has been reported. No clinical diagnostic laboratories have submitted clinical-significance assessments for this variant to ClinVar after 2014. Based on the evidence outlined above, the variant was classified as likely pathogenic.

Literature cited by the submitters: PubMed 19105190 (cited by Labcorp Genetics (formerly Invitae), Labcorp); PubMed 20110243 (cited by Labcorp Genetics (formerly Invitae), Labcorp); PubMed 22154821 (cited by Labcorp Genetics (formerly Invitae), Labcorp); PubMed 26556829 (cited by Labcorp Genetics (formerly Invitae), Labcorp); PubMed 35464835 (cited by Labcorp Genetics (formerly Invitae), Labcorp and Women's Health and Genetics/Laboratory Corporation of America, LabCorp).